The following is an entry in ClinVar:

ClinVar aggregate classification (germline): Uncertain significance (1 of 4 stars; one submission).

Submission:

GeneDx
Classification: Uncertain significance. Last evaluated: 2024-02-07. Review status: criteria provided, single submitter. Criteria: GeneDx Variant Classification Process June 2021. Collection method: clinical testing. Allele origin: germline. Affected: yes.
Comment: Not observed at significant frequency in large population cohorts (gnomAD); In silico analysis supports that this missense variant does not alter protein structure/function; Has not been previously published as pathogenic or benign to our knowledge

NM_015015.3(KDM4B):c.1340C>T (p.Pro447Leu)

Gene: KDM4B (lysine demethylase 4B; plus strand). Cytogenetic location: 19p13.3.
Variant type: single nucleotide variant.
Coding change: c.1340C>T on transcript NM_015015.3 (MANE Select); coding-DNA position 1340, C replaced by T.
Protein change: p.Pro447Leu; replaces proline 447 with leucine.
Molecular consequence: missense variant.
Genome position (GRCh38, 1-based): chr19:5,131,100, C>T. VCF-style: chr19-5131100-C-T. GRCh37 (hg19) VCF-style: chr19-5131111-C-T.
Other names: c.1442C>T, p.Pro481Leu (NM_001411148.1); short protein forms P447L, P481L.
Identifiers: ClinVar variation 3368790 (VCV003368790.1).
Genomic context (GRCh38, chr19:5,131,100, plus strand): 5'-GTTCTCCTCCCTGACCTCCCTCTCCTCTTCCCACAGAGGACGGGAGGGGCAAGCTGCGGC[C>T]AACCAAGGCCAAGAGCGAGCGGAAGAAGAAGAGCTTCGGCCTGCTGCCCCCACAGCTGCC-3'
Protein context (NP_055830.1, residues 437-457): AEEDGRGKLR[Pro447Leu]TKAKSERKKK